The following is an entry in ClinVar:

NM_018417.6(ADCY10):c.2872G>T (p.Glu958Ter)

Gene: ADCY10 (adenylate cyclase 10; minus strand). Cytogenetic location: 1q24.2.
Variant type: single nucleotide variant.
Coding change: c.2872G>T on transcript NM_018417.6 (MANE Select); coding-DNA position 2872, G replaced by T.
Protein change: p.Glu958Ter; replaces glutamic acid 958 with a stop codon.
Molecular consequence: nonsense.
Genome position (GRCh38, 1-based): chr1:167,845,698, C>A on the plus strand (G>T on the coding strand, the complement: ADCY10 is on the minus strand). VCF-style: chr1-167845698-C-A. GRCh37 (hg19) VCF-style: chr1-167814936-C-A.
Other names: c.2413G>T, p.Glu805Ter (NM_001167749.3); c.2596G>T, p.Glu866Ter (NM_001297772.2); short protein forms E958*, E866*, E805*.
Identifiers: ClinVar variation 387892 (VCV000387892.3), dbSNP rs376243653, ClinGen allele CA1227541.
Genomic context (GRCh38, chr1:167,845,698, plus strand): 5'-AGTGATGATAGGGAATGAAGTCCCTGCCTCGGCAGTGGTCACATCTGTGGGCATCTTCTT[C>A]TAAAAAGCGGGCACATTTCAAGTGCATGGCTTTTCTCTGGTCCTTGAGCCACAGCTCGTA-3'

ClinVar aggregate classification (germline): Uncertain significance. Review status: criteria provided, multiple submitters, no conflicts (2 of 4 stars). 2 submissions from 2 submitters: Uncertain significance (2). Last evaluated 2021-07-27.

Conditions:
Familial idiopathic hypercalciuria (HCA2). Also called: Hypercalciuria, absorptive, 2; Hypercalciuria, absorptive, susceptibility to. Identifiers: MedGen C0342639, MONDO:0007748, OMIM 143870.

Allele frequency attached by ClinVar (database versions not stated): gnomAD exomes below 0.00001 and 0.00002; ExAC 0.00001; TOPMed 0.00001; ESP Exome Variant Server 0.00008.
gnomAD v4.1: 22 of 1,614,230 alleles (0.0014%); highest among the groups gnomAD compares: Middle Eastern, 0.016%; no homozygotes.

Submissions (2):

Fulgent Genetics
Classification: Uncertain significance for Familial idiopathic hypercalciuria. Last evaluated: 2021-07-27. Review status: criteria provided, single submitter. Criteria: ACMG Guidelines, 2015. Collection method: clinical testing. Allele origin: unknown.

GeneDx
Classification: Uncertain significance. Last evaluated: 2016-07-28. Review status: criteria provided, single submitter. Criteria: GeneDx Variant Classification (06012015). Collection method: clinical testing. Allele origin: germline. Affected: yes.
Comment: The E958X variant in the ADCY10 gene has not been reported previously as a pathogenic variant nor as a benign variant, to our knowledge. This variant is predicted to cause loss of normal protein function either through protein truncation or nonsense-mediated mRNA decay. The E958X variant was not observed at any significant frequency in approximately 6,500 individuals of European and African American ancestry in the NHLBI Exome Sequencing Project, indicating it is not a common benign variant in these populations. We interpret E958X as a variant of uncertain significance.